The following is an entry in ClinVar:

NM_006005.3(WFS1):c.86C>T (p.Ala29Val)

Gene: WFS1 (wolframin ER transmembrane glycoprotein; plus strand). Cytogenetic location: 4p16.1.
Variant type: single nucleotide variant.
Coding change: c.86C>T on transcript NM_006005.3 (MANE Select); coding-DNA position 86, C replaced by T.
Protein change: p.Ala29Val; replaces alanine 29 with valine.
Molecular consequence: missense variant.
Genome position (GRCh38, 1-based): chr4:6,277,541, C>T. VCF-style: chr4-6277541-C-T. GRCh37 (hg19) VCF-style: chr4-6279268-C-T.
Other names: c.86C>T, p.Ala29Val (NM_001145853.1); short protein forms A29V.
Identifiers: ClinVar variation 4975643 (VCV004975643.1).

ClinVar aggregate classification (germline): Uncertain significance (1 of 4 stars; one submission).

gnomAD v4.1: 2 of 1,589,542 alleles (0.00013%); highest among the groups gnomAD compares: Non-Finnish European, 0.00017%; no homozygotes.

Submission:

GeneDx
Classification: Uncertain significance. Last evaluated: 2026-01-25. Review status: criteria provided, single submitter. Criteria: GeneDx Variant Classification Process June 2021. Collection method: clinical testing. Allele origin: germline.
Comment: Not observed at significant frequency in large population cohorts (gnomAD); In silico analysis suggests that this missense variant does not alter protein structure/function; Has not been previously published as pathogenic or benign to our knowledge